The following is an entry in ClinVar:

ClinVar aggregate classification (germline): Likely pathogenic (1 of 4 stars; one submission).

Conditions:
Glycine encephalopathy. Also called: Nonketotic hyperglycinemia; Non-ketotic hyperglycinemia. Identifiers: Orphanet 407, MedGen C0751748, MONDO:0011612, HP:0008288.

Submission:

Natera, Inc.
Classification: Likely pathogenic for Non-ketotic hyperglycinemia. Last evaluated: 2024-12-30. Review status: criteria provided, single submitter. Criteria: Natera Variant Classification Schema (03/2026). Collection method: clinical testing. Allele origin: germline.
Comment: The c.2615del variant in GLDC is a frameshift variant predicted to shift the reading frame beginning at codon 872 and leads to a stop codon 52 codons downstream. This variant is expected to result in nonsense mediated decay, truncation, or a dysfunctional protein product. This variant is rare in the general population with a frequency below the threshold expected for the associated phenotype(s). Given the available evidence, this variant is classified as Likely Pathogenic.

NM_000170.3(GLDC):c.2615del (p.Lys872fs)

Gene: GLDC (glycine decarboxylase; minus strand). Cytogenetic location: 9p24.1.
Variant type: Deletion.
Coding change: c.2615del on transcript NM_000170.3 (MANE Select); coding-DNA position 2615, one base deleted (A; older notation c.2615delA).
Protein change: p.Lys872fs; shifts the reading frame from lysine 872.
Molecular consequence: frameshift variant.
Genome position (GRCh38, 1-based): chr9:6,540,101, T deleted on the plus strand (A on the coding strand, the reverse complement: GLDC is on the minus strand); the first of 5 consecutive T bases (chr9:6,540,101-6,540,105); deleting any one gives the same sequence. VCF-style (leftmost placement, unchanged base first): chr9-6540100-CT-C. GRCh37 (hg19) VCF-style: chr9-6540100-CT-C.
Other names: c.2611delA, p.Lys872Serfs (NM_000170.2); short protein forms K872fs.
Identifiers: ClinVar variation 4817859 (VCV004817859.1).